The following is an entry in ClinVar:

ClinVar aggregate classification (germline): Conflicting classifications of pathogenicity. Review status: criteria provided, conflicting classifications (1 of 4 stars). 4 submissions from 4 submitters: Uncertain significance (1); Benign (1); Likely benign (2). Last evaluated 2026-07-01.

Allele frequency attached by ClinVar (database versions not stated): TOPMed 0.00140; 1000 Genomes Project 30x 0.00156; 1000 Genomes Project 0.00180; ESP Exome Variant Server 0.00208; ExAC 0.00230; gnomAD exomes 0.00238 and 0.00250; gnomAD 0.00260 and 0.00270.
gnomAD v4.1: 4,012 of 1,609,092 alleles (0.25%); highest among the groups gnomAD compares: Non-Finnish European, 0.26%; 10 homozygotes.

Submissions (4):

CeGaT Center for Human Genetics Tuebingen
Classification: Likely benign. Last evaluated: 2026-07-01. Review status: criteria provided, single submitter. Criteria: CeGaT Center For Human Genetics Tuebingen Variant Classification Criteria Version 2. Collection method: clinical testing. Allele origin: germline. Affected: yes. Observed: 7 variant alleles.
Comment: ARID2: BS1

Blueprint Genetics
Classification: Likely benign. Last evaluated: 2024-11-18. Review status: criteria provided, single submitter. Criteria: ACMG Guidelines, 2015. Collection method: clinical testing. Allele origin: germline.

Labcorp Genetics (formerly Invitae), Labcorp
Classification: Benign. Last evaluated: 2019-12-31. Review status: criteria provided, single submitter. Criteria: Invitae Variant Classification Sherloc (09022015). Collection method: clinical testing. Allele origin: germline.

Genomic Diagnostic Laboratory, Division of Genomic Diagnostics, Children's Hospital of Philadelphia
Classification: Uncertain significance. Last evaluated: 2015-03-25. Review status: criteria provided, single submitter. Criteria: DGD Variant Analysis Guidelines. Collection method: clinical testing. Allele origin: unknown.

NM_152641.4(ARID2):c.1718C>T (p.Thr573Met)

Gene: ARID2 (AT-rich interaction domain 2; plus strand). Cytogenetic location: 12q12.
Variant type: single nucleotide variant.
Coding change: c.1718C>T on transcript NM_152641.4 (MANE Select); coding-DNA position 1718, C replaced by T.
Protein change: p.Thr573Met; replaces threonine 573 with methionine.
Molecular consequence: missense variant.
Genome position (GRCh38, 1-based): chr12:45,849,582, C>T. VCF-style: chr12-45849582-C-T. GRCh37 (hg19) VCF-style: chr12-46243365-C-T.
Other names: c.1718C>T, p.Thr573Met (NM_001347839.2); short protein forms T573M.
Identifiers: ClinVar variation 218847 (VCV000218847.30), dbSNP rs76994389, ClinGen allele CA249222.